The following is an entry in ClinVar:

ClinVar aggregate classification (germline): Uncertain significance. Review status: criteria provided, multiple submitters, no conflicts (2 of 4 stars). 2 submissions from 2 submitters: Uncertain significance (2). Last evaluated 2025-02-27.

Conditions:
HSD3B7-related disorder. Also called: HSD3B7-related condition.

Allele frequency attached by ClinVar (database versions not stated): ExAC 0.00002; TOPMed 0.00003; gnomAD 0.00004; ESP Exome Variant Server 0.00008; gnomAD exomes 0.00014.

Submissions (2):

PreventionGenetics, part of Exact Sciences
Classification: Uncertain significance for HSD3B7-related condition. Last evaluated: 2025-02-27. Review status: criteria provided, single submitter. Criteria: ACMG Guidelines, 2015. Collection method: clinical testing. Allele origin: germline.
Comment: The HSD3B7 c.328C>T variant is predicted to result in the amino acid substitution p.Arg110Trp. To our knowledge, this variant has not been reported in the literature. This variant is reported in 0.0039% of alleles in individuals of European (Non-Finnish) descent in gnomAD. At this time, the clinical significance of this variant is uncertain due to the absence of conclusive functional and genetic evidence.

Mayo Clinic Laboratories, Mayo Clinic
Classification: Uncertain significance. Last evaluated: 2023-02-24. Review status: criteria provided, single submitter. Criteria: ACMG Guidelines, 2015. Collection method: clinical testing. Allele origin: germline. Observed: 1 variant allele.
Comment: PM2

NM_025193.4(HSD3B7):c.328C>T (p.Arg110Trp)

Gene: HSD3B7 (hydroxy-delta-5-steroid dehydrogenase, 3 beta- and steroid delta-isomerase 7; plus strand). Cytogenetic location: 16p11.2.
Variant type: single nucleotide variant.
Coding change: c.328C>T on transcript NM_025193.4 (MANE Select); coding-DNA position 328, C replaced by T.
Protein change: p.Arg110Trp; replaces arginine 110 with tryptophan.
Molecular consequence: missense variant.
Genome position (GRCh38, 1-based): chr16:30,986,428, C>T. VCF-style: chr16-30986428-C-T. GRCh37 (hg19) VCF-style: chr16-30997749-C-T.
Other names: p.Arg110Trp; c.328C>T (NM_025193.3); c.328C>T, p.Arg110Trp (NM_001142777.2, NM_001142778.2); short protein forms R110W.
Identifiers: ClinVar variation 2683357 (VCV002683357.2), dbSNP rs146807980, ClinGen allele CA8017967.